The following is an entry in ClinVar:

ClinVar aggregate classification (germline): Uncertain significance (1 of 4 stars; one submission).

Conditions:
Ethylmalonic encephalopathy (EE). Also called: EPEMA syndrome; Encephalopathy, petechiae, and ethylmalonic aciduria; Syndrome of encephalopathy, petechiae, and ethylmalonic aciduria. Identifiers: Orphanet 51188, MedGen C1865349, MONDO:0011229, OMIM 602473. Disease mechanism: loss of function.

Allele frequency attached by ClinVar (database versions not stated): TOPMed below 0.00001.

Submission:

Labcorp Genetics (formerly Invitae), Labcorp
Classification: Uncertain significance for Ethylmalonic encephalopathy. Last evaluated: 2022-05-13. Review status: criteria provided, single submitter. Criteria: Invitae Variant Classification Sherloc (09022015). Collection method: clinical testing. Allele origin: germline.
Comment: This sequence change replaces leucine, which is neutral and non-polar, with proline, which is neutral and non-polar, at codon 72 of the ETHE1 protein (p.Leu72Pro). This variant is not present in population databases (gnomAD no frequency). This variant has not been reported in the literature in individuals affected with ETHE1-related conditions. Advanced modeling of protein sequence and biophysical properties (such as structural, functional, and spatial information, amino acid conservation, physicochemical variation, residue mobility, and thermodynamic stability) performed at Invitae indicates that this missense variant is expected to disrupt ETHE1 protein function. In summary, the available evidence is currently insufficient to determine the role of this variant in disease. Therefore, it has been classified as a Variant of Uncertain Significance.

NM_014297.5(ETHE1):c.215T>C (p.Leu72Pro)

Gene: ETHE1 (ETHE1 persulfide dioxygenase; minus strand). Cytogenetic location: 19q13.31.
Variant type: single nucleotide variant.
Coding change: c.215T>C on transcript NM_014297.5 (MANE Select); coding-DNA position 215, T replaced by C.
Protein change: p.Leu72Pro; replaces leucine 72 with proline.
Molecular consequence: missense variant. On other transcripts: 5 prime UTR variant (1), intron variant (1).
Genome position (GRCh38, 1-based): chr19:43,526,526, A>G on the plus strand (T>C on the coding strand, the complement: ETHE1 is on the minus strand). VCF-style: chr19-43526526-A-G. GRCh37 (hg19) VCF-style: chr19-44030678-A-G.
Other names: c.215T>C, p.Leu72Pro (NM_001320867.2); c.-6T>C (NM_001320868.2); c.81+571T>C (NM_001320869.2); short protein forms L72P.
Identifiers: ClinVar variation 1907807 (VCV001907807.3), dbSNP rs1972250897, ClinGen allele CA406180727.